The following is an entry in ClinVar:

ClinVar aggregate classification (germline): Uncertain significance. Review status: criteria provided, multiple submitters, no conflicts (2 of 4 stars). 2 submissions from 2 submitters: Uncertain significance (2). Last evaluated 2024-11-24.

Conditions:
Neurodevelopmental disorder with or without hyperkinetic movements and seizures, autosomal dominant. Also called: Intellectual disability, autosomal dominant 8. Identifiers: MedGen C3280282, MONDO:0013655, OMIM 614254.

Submissions (2):

GeneDx
Classification: Uncertain significance. Last evaluated: 2024-11-24. Review status: criteria provided, single submitter. Criteria: GeneDx Variant Classification Process June 2021. Collection method: clinical testing. Allele origin: germline. Affected: yes.
Comment: Not observed at significant frequency in large population cohorts (gnomAD); In silico analysis supports that this missense variant has a deleterious effect on protein structure/function; Has not been previously published as pathogenic or benign to our knowledge

Labcorp Genetics (formerly Invitae), Labcorp
Classification: Uncertain significance for Neurodevelopmental disorder with or without hyperkinetic movements and seizures, autosomal dominant. Last evaluated: 2021-11-30. Review status: criteria provided, single submitter. Criteria: Invitae Variant Classification Sherloc (09022015). Collection method: clinical testing. Allele origin: germline.
Comment: In summary, the available evidence is currently insufficient to determine the role of this variant in disease. Therefore, it has been classified as a Variant of Uncertain Significance. Advanced modeling of protein sequence and biophysical properties (such as structural, functional, and spatial information, amino acid conservation, physicochemical variation, residue mobility, and thermodynamic stability) performed at Invitae indicates that this missense variant is expected to disrupt GRIN1 protein function. This variant has not been reported in the literature in individuals affected with GRIN1-related conditions. This variant is not present in population databases (gnomAD no frequency). This sequence change replaces glycine, which is neutral and non-polar, with valine, which is neutral and non-polar, at codon 482 of the GRIN1 protein (p.Gly482Val).

NM_007327.4(GRIN1):c.1445G>T (p.Gly482Val)

Gene: GRIN1 (glutamate ionotropic receptor NMDA type subunit 1; plus strand). Cytogenetic location: 9q34.3.
Variant type: single nucleotide variant.
Coding change: c.1445G>T on transcript NM_007327.4 (MANE Select); coding-DNA position 1445, G replaced by T.
Protein change: p.Gly482Val; replaces glycine 482 with valine.
Molecular consequence: missense variant.
Genome position (GRCh38, 1-based): chr9:137,161,394, G>T. VCF-style: chr9-137161394-G-T. GRCh37 (hg19) VCF-style: chr9-140055846-G-T.
Other names: c.1445G>T (NM_007327.3); c.1445G>T, p.Gly482Val (NM_000832.7, NM_021569.4); c.1508G>T, p.Gly503Val (NM_001185090.2, NM_001185091.2); short protein forms G482V, G503V.
Identifiers: ClinVar variation 1345187 (VCV001345187.7), dbSNP rs2131292828, ClinGen allele CA375716827.
Genomic context (GRCh38, chr9:137,161,394, plus strand): 5'-TGCTCATCAAGCTGGCACGGACCATGAACTTCACCTACGAGGTGCACCTGGTGGCAGATG[G>T]CAAGTTCGGCACACAGGAGCGGGTAGGCTGGACGGCGGGGGTGGGGACCAGCGTGAGAGG-3'
Protein context (NP_015566.1, residues 472-492): FTYEVHLVAD[Gly482Val]KFGTQERVNN